The following is an entry in ClinVar:

NM_000718.4(CACNA1B):c.5813C>A (p.Ser1938Tyr)

Gene: CACNA1B (calcium voltage-gated channel subunit alpha1 B; plus strand). Cytogenetic location: 9q34.3.
Variant type: single nucleotide variant.
Coding change: c.5813C>A on transcript NM_000718.4 (MANE Select); coding-DNA position 5813, C replaced by A.
Protein change: p.Ser1938Tyr; replaces serine 1938 with tyrosine.
Molecular consequence: missense variant.
Genome position (GRCh38, 1-based): chr9:138,117,981, C>A. VCF-style: chr9-138117981-C-A. GRCh37 (hg19) VCF-style: chr9-141012433-C-A.
Other names: c.5813C>A (NM_000718.3); c.5813C>A, p.Ser1938Tyr (NM_001243812.2); short protein forms S1938Y.
Identifiers: ClinVar variation 1984844 (VCV001984844.6), dbSNP rs199624982, ClinGen allele CA5377499.

ClinVar aggregate classification (germline): Uncertain significance. Review status: criteria provided, multiple submitters, no conflicts (2 of 4 stars). 2 submissions from 2 submitters: Uncertain significance (2). Last evaluated 2025-09-27.

Allele frequency attached by ClinVar (database versions not stated): ExAC 0.00001; ESP Exome Variant Server 0.00008.
gnomAD v4.1: 6 of 1,597,506 alleles (0.00038%); highest among the groups gnomAD compares: Non-Finnish European, 0.00051%; no homozygotes.

Submissions (2):

Labcorp Genetics (formerly Invitae), Labcorp
Classification: Uncertain significance. Last evaluated: 2025-09-27. Review status: criteria provided, single submitter. Criteria: Invitae Variant Classification Sherloc (09022015). Collection method: clinical testing. Allele origin: germline.
Comment: This sequence change replaces serine, which is neutral and polar, with tyrosine, which is neutral and polar, at codon 1938 of the CACNA1B protein (p.Ser1938Tyr). This variant is present in population databases (rs199624982, gnomAD 0.002%). This variant has not been reported in the literature in individuals affected with CACNA1B-related conditions. ClinVar contains an entry for this variant (Variation ID: 1984844). Invitae Evidence Modeling of protein sequence and biophysical properties (such as structural, functional, and spatial information, amino acid conservation, physicochemical variation, residue mobility, and thermodynamic stability) indicates that this missense variant is not expected to disrupt CACNA1B protein function with a negative predictive value of 80%. In summary, the available evidence is currently insufficient to determine the role of this variant in disease. Therefore, it has been classified as a Variant of Uncertain Significance.

Ambry Genetics
Classification: Uncertain significance. Last evaluated: 2023-04-25. Review status: criteria provided, single submitter. Criteria: Ambry Variant Classification Scheme 2023. Collection method: clinical testing. Allele origin: germline.